The following is an entry in ClinVar:

NM_001039591.3(USP9X):c.852G>C (p.Gln284His)

Gene: USP9X (ubiquitin specific peptidase 9 X-linked; plus strand). Cytogenetic location: Xp11.4.
Variant type: single nucleotide variant.
Coding change: c.852G>C on transcript NM_001039591.3 (MANE Select); coding-DNA position 852, G replaced by C.
Protein change: p.Gln284His; replaces glutamine 284 with histidine.
Molecular consequence: missense variant.
Genome position (GRCh38, 1-based): chrX:41,141,047, G>C. VCF-style: chrX-41141047-G-C. GRCh37 (hg19) VCF-style: chrX-41000300-G-C.
Other names: c.852G>C, p.Gln284His (NM_001039590.3, NM_001410748.1, NM_001410749.1); short protein forms Q284H.
Identifiers: ClinVar variation 2635262 (VCV002635262.1), dbSNP rs373060377, ClinGen allele CA412766699.

ClinVar aggregate classification (germline): Uncertain significance (1 of 4 stars; one submission).

Conditions:
USP9X-related disorder. Also called: USP9X-related condition.

Submission:

PreventionGenetics, part of Exact Sciences
Classification: Uncertain significance for USP9X-related condition. Last evaluated: 2022-11-14. Review status: criteria provided, single submitter. Criteria: ACMG Guidelines, 2015. Collection method: clinical testing. Allele origin: germline.
Comment: The USP9X c.852G>C variant is predicted to result in the amino acid substitution p.Gln284His. To our knowledge, this variant has not been reported in the literature or in a large population database, indicating this variant is rare. At this time, the clinical significance of this variant is uncertain due to the absence of conclusive functional and genetic evidence.